The following is an entry in ClinVar:

ClinVar aggregate classification (germline): Likely benign. Review status: criteria provided, multiple submitters, no conflicts (2 of 4 stars). 2 submissions from 2 submitters: Likely benign (2). Last evaluated 2018-06-16.

Allele frequency attached by ClinVar (database versions not stated): gnomAD exomes 0.00085; gnomAD 0.00862 and 0.00906; TOPMed 0.00915; 1000 Genomes Project 0.01298; 1000 Genomes Project 30x 0.01327.
gnomAD v4.1: 2,422 of 1,388,072 alleles (0.17%); highest among the groups gnomAD compares: African/African-American, 2.9%; 44 homozygotes.

Submissions (2):

GeneDx
Classification: Likely benign. Last evaluated: 2018-06-16. Review status: criteria provided, single submitter. Criteria: GeneDx Variant Classification (06012015). Collection method: clinical testing. Allele origin: germline. Affected: yes.
Comment: This variant is considered likely benign or benign based on one or more of the following criteria: it is a conservative change, it occurs at a poorly conserved position in the protein, it is predicted to be benign by multiple in silico algorithms, and/or has population frequency not consistent with disease.

Breakthrough Genomics
Classification: Likely benign. Review status: criteria provided, single submitter. Criteria: ACMG Guidelines, 2015. Collection method: not provided. Allele origin: germline. Inheritance: Autosomal recessive inheritance. Affected: yes.

NM_004086.3(COCH):c.1478-67T>C

Genes: COCH (cochlin; plus strand), LOC100506071 (uncharacterized LOC100506071; minus strand). Cytogenetic location: 14q12.
Variant type: single nucleotide variant.
Coding change: c.1478-67T>C on transcript NM_004086.3 (MANE Select); 67 bases into the intron before coding-DNA position 1478, T replaced by C.
Molecular consequence: intron variant. On other transcripts: non-coding transcript variant (1).
Genome position (GRCh38, 1-based): chr14:30,889,549, T>C. VCF-style: chr14-30889549-T-C. GRCh37 (hg19) VCF-style: chr14-31358755-T-C.
Other names: c.1673-67T>C (NM_001347720.2); c.1478-67T>C (NM_001135058.2).
Identifiers: ClinVar variation 684106 (VCV000684106.2), dbSNP rs12101040, ClinGen allele CA258543838.